The following is an entry in ClinVar:

ClinVar aggregate classification (germline): Uncertain significance. Review status: criteria provided, multiple submitters, no conflicts (2 of 4 stars). 2 submissions from 2 submitters: Uncertain significance (2). Last evaluated 2021-09-08.

Conditions:
Familial acute necrotizing encephalopathy (IIAE3). Also called: ENCEPHALOPATHY, ACUTE, INFECTION-INDUCED, SUSCEPTIBILITY TO, 3; Susceptibility to Acute Necrotizing Encephalopathy 1. Identifiers: Orphanet 88619, MedGen C2675556, MONDO:0011953, OMIM 608033.

Allele frequency attached by ClinVar (database versions not stated): gnomAD exomes 0.00003 and 0.00005; ExAC 0.00005; gnomAD 0.00008 and 0.00009; TOPMed 0.00012.
gnomAD v4.1: 60 of 1,611,626 alleles (0.0037%); highest among the groups gnomAD compares: Middle Eastern, 0.045%; no homozygotes.

Submissions (2):

Labcorp Genetics (formerly Invitae), Labcorp
Classification: Uncertain significance for Familial acute necrotizing encephalopathy. Last evaluated: 2021-09-08. Review status: criteria provided, single submitter. Criteria: Invitae Variant Classification Sherloc (09022015). Collection method: clinical testing. Allele origin: germline.
Comment: This sequence change replaces aspartic acid with asparagine at codon 755 of the RANBP2 protein (p.Asp755Asn). The aspartic acid residue is moderately conserved and there is a small physicochemical difference between aspartic acid and asparagine. The frequency data for this variant in the population databases is considered unreliable, as metrics indicate poor data quality at this position in the ExAC database. This variant has not been reported in the literature in individuals affected with RANBP2-related conditions. Algorithms developed to predict the effect of missense changes on protein structure and function (SIFT, PolyPhen-2, Align-GVGD) all suggest that this variant is likely to be tolerated. In summary, the available evidence is currently insufficient to determine the role of this variant in disease. Therefore, it has been classified as a Variant of Uncertain Significance.

Ambry Genetics
Classification: Uncertain significance. Last evaluated: 2021-07-16. Review status: criteria provided, single submitter. Criteria: Ambry Variant Classification Scheme 2023. Collection method: clinical testing. Allele origin: germline.

NM_006267.5(RANBP2):c.2263G>A (p.Asp755Asn)

Gene: RANBP2 (RAN binding protein 2; plus strand). Cytogenetic location: 2q13.
Variant type: single nucleotide variant.
Coding change: c.2263G>A on transcript NM_006267.5 (MANE Select); coding-DNA position 2263, G replaced by A.
Protein change: p.Asp755Asn; replaces aspartic acid 755 with asparagine.
Molecular consequence: missense variant.
Genome position (GRCh38, 1-based): chr2:108,754,965, G>A. VCF-style: chr2-108754965-G-A. GRCh37 (hg19) VCF-style: chr2-109371421-G-A.
Other names: c.2263G>A (NM_006267.4); short protein forms D755N.
Identifiers: ClinVar variation 1365685 (VCV001365685.7), dbSNP rs2557914, ClinGen allele CA1822616.